The following is an entry in ClinVar:

ClinVar aggregate classification (germline): Uncertain significance (1 of 4 stars; one submission).

Allele frequency attached by ClinVar (database versions not stated): gnomAD exomes below 0.00001; ExAC 0.00001; gnomAD 0.00001; 1000 Genomes Project 30x 0.00016; 1000 Genomes Project 0.00020.
gnomAD v4.1: 7 of 1,614,134 alleles (0.00043%); highest among the groups gnomAD compares: Non-Finnish European, 0.00051%; no homozygotes.

Submission:

Labcorp Genetics (formerly Invitae), Labcorp
Classification: Uncertain significance. Last evaluated: 2022-04-06. Review status: criteria provided, single submitter. Criteria: Invitae Variant Classification Sherloc (09022015). Collection method: clinical testing. Allele origin: germline.
Comment: This sequence change replaces asparagine, which is neutral and polar, with aspartic acid, which is acidic and polar, at codon 1121 of the PRPF8 protein (p.Asn1121Asp). This variant is present in population databases (rs201104541, gnomAD 0.0009%). This variant has not been reported in the literature in individuals affected with PRPF8-related conditions. Algorithms developed to predict the effect of missense changes on protein structure and function are either unavailable or do not agree on the potential impact of this missense change (SIFT: "Deleterious"; PolyPhen-2: "Probably Damaging"; Align-GVGD: "Class C0"). In summary, the available evidence is currently insufficient to determine the role of this variant in disease. Therefore, it has been classified as a Variant of Uncertain Significance.

NM_006445.4(PRPF8):c.3361A>G (p.Asn1121Asp)

Gene: PRPF8 (pre-mRNA processing factor 8; minus strand). Cytogenetic location: 17p13.3.
Variant type: single nucleotide variant.
Coding change: c.3361A>G on transcript NM_006445.4 (MANE Select); coding-DNA position 3361, A replaced by G.
Protein change: p.Asn1121Asp; replaces asparagine 1121 with aspartic acid.
Molecular consequence: missense variant.
Genome position (GRCh38, 1-based): chr17:1,673,831, T>C on the plus strand (A>G on the coding strand, the complement: PRPF8 is on the minus strand). VCF-style: chr17-1673831-T-C. GRCh37 (hg19) VCF-style: chr17-1577125-T-C.
Other names: short protein forms N1121D.
Identifiers: ClinVar variation 2097619 (VCV002097619.4), dbSNP rs201104541, ClinGen allele CA8271892.